The following is an entry in ClinVar:

ClinVar aggregate classification (germline): Uncertain significance. Review status: criteria provided, multiple submitters, no conflicts (2 of 4 stars). 2 submissions from 2 submitters: Uncertain significance (2). Last evaluated 2025-05-27.

Conditions:
Hereditary cancer-predisposing syndrome. Also called: Neoplastic Syndromes, Hereditary; Hereditary Cancer Syndrome; Hereditary neoplastic syndrome; Tumor predisposition. Identifiers: Orphanet 140162, MedGen C0027672, MeSH D009386, MONDO:0015356.
Gastrointestinal stromal tumor. Also called: Gastrointestinal stromal tumor, somatic; Gastrointestinal stroma tumor. Identifiers: Orphanet 44890, MedGen C0238198, MeSH D046152, MONDO:0011719, OMIM 606764, HP:0100723.

Allele frequency attached by ClinVar (database versions not stated): gnomAD exomes below 0.00001; ExAC 0.00001.
gnomAD v4.1: 1 of 1,597,376 alleles (0.000063%); highest among the groups gnomAD compares: Non-Finnish European, 0.000086%; no homozygotes.

Submissions (2):

Labcorp Genetics (formerly Invitae), Labcorp
Classification: Uncertain significance for Gastrointestinal stromal tumor. Last evaluated: 2025-05-27. Review status: criteria provided, single submitter. Criteria: Invitae Variant Classification Sherloc (09022015). Collection method: clinical testing. Allele origin: germline.
Comment: This sequence change replaces asparagine, which is neutral and polar, with serine, which is neutral and polar, at codon 406 of the KIT protein (p.Asn406Ser). This variant is present in population databases (rs771574892, gnomAD 0.0009%). This variant has not been reported in the literature in individuals affected with KIT-related conditions. ClinVar contains an entry for this variant (Variation ID: 818616). An algorithm developed to predict the effect of missense changes on protein structure and function outputs the following: PolyPhen-2: "Benign". The serine amino acid residue is found in multiple mammalian species, which suggests that this missense change does not adversely affect protein function. In summary, the available evidence is currently insufficient to determine the role of this variant in disease. Therefore, it has been classified as a Variant of Uncertain Significance.

Ambry Genetics
Classification: Uncertain significance for Hereditary cancer-predisposing syndrome. Last evaluated: 2024-07-13. Review status: criteria provided, single submitter. Criteria: Ambry Variant Classification Scheme 2023. Collection method: clinical testing. Allele origin: germline.
Comment: The p.N406S variant (also known as c.1217A>G), located in coding exon 7 of the KIT gene, results from an A to G substitution at nucleotide position 1217. The asparagine at codon 406 is replaced by serine, an amino acid with highly similar properties. This amino acid position is not well conserved in available vertebrate species. In addition, this alteration is predicted to be tolerated by in silico analysis. Since supporting evidence is limited at this time, the clinical significance of this alteration remains unclear.

NM_000222.3(KIT):c.1217A>G (p.Asn406Ser)

Gene: KIT (KIT proto-oncogene, receptor tyrosine kinase; plus strand). Cytogenetic location: 4q12.
Variant type: single nucleotide variant.
Coding change: c.1217A>G on transcript NM_000222.3 (MANE Select); coding-DNA position 1217, A replaced by G.
Protein change: p.Asn406Ser; replaces asparagine 406 with serine.
Molecular consequence: missense variant.
Genome position (GRCh38, 1-based): chr4:54,709,525, A>G. VCF-style: chr4-54709525-A-G. GRCh37 (hg19) VCF-style: chr4-55575691-A-G.
Other names: c.1217A>G, p.Asn406Ser (NM_001093772.2, NM_001385285.1, NM_001385286.1); c.1220A>G, p.Asn407Ser (NM_001385284.1, NM_001385288.1, NM_001385290.1 and 1 more transcripts); short protein forms N406S, N407S.
Identifiers: ClinVar variation 818616 (VCV000818616.13), dbSNP rs771574892, ClinGen allele CA2923409.
Genomic context (GRCh38, chr4:54,709,525, plus strand): 5'-AAGGAGGCACTTACACATTCCTAGTGTCCAATTCTGACGTCAATGCTGCCATAGCATTTA[A>G]TGTTTATGTGAATAGTAAGTAACATGAAGGGCTCCTTTTAATTTTTTATTCTTTTAAAGT-3'
Protein context (NP_000213.1, residues 396-416): NSDVNAAIAF[Asn406Ser]VYVNTKPEIL